The following is an entry in ClinVar:

NM_001148.6(ANK2):c.4A>G (p.Met2Val)

Gene: ANK2 (ankyrin 2; plus strand). Cytogenetic location: 4q25.
Variant type: single nucleotide variant.
Coding change: c.4A>G on transcript NM_001148.6 (MANE Select); coding-DNA position 4, A replaced by G.
Protein change: p.Met2Val; replaces methionine 2 with valine.
Molecular consequence: missense variant. On other transcripts: intron variant (43).
Genome position (GRCh38, 1-based): chr4:113,049,732, A>G. VCF-style: chr4-113049732-A-G. GRCh37 (hg19) VCF-style: chr4-113970888-A-G.
Other names: c.4A>G, p.Met2Val (NM_001354225.2, NM_001354228.2, NM_001354232.2 and 10 more transcripts); c.73-124684A>G (NM_001386186.2, NM_001386148.2, NM_001354269.3 and 1 more transcripts); c.22-101348A>G (NM_001386147.1, NM_001386160.1, NM_001354261.2); c.22-124684A>G (NM_001354254.2, NM_001354239.2, NM_001354252.2 and 33 more transcripts); short protein forms M2V.
Identifiers: ClinVar variation 1744680 (VCV001744680.3), dbSNP rs929854524, ClinGen allele CA104483597.

ClinVar aggregate classification (germline): Uncertain significance (1 of 4 stars; one submission).

Conditions:
Cardiovascular phenotype. Identifiers: MedGen CN230736.

Allele frequency attached by ClinVar (database versions not stated): gnomAD exomes below 0.00001; TOPMed below 0.00001; gnomAD 0.00002.
gnomAD v4.1: 4 of 1,597,196 alleles (0.00025%); highest among the groups gnomAD compares: African/African-American, 0.0041%; no homozygotes.

Submission:

Ambry Genetics
Classification: Uncertain significance for Cardiovascular phenotype. Last evaluated: 2024-12-31. Review status: criteria provided, single submitter. Criteria: Ambry Variant Classification Scheme 2023. Collection method: clinical testing. Allele origin: germline.
Comment: The p.M2V variant (also known as c.4A>G), located in coding exon 1 of the ANK2 gene, results from an A to G substitution at nucleotide position 4. The methionine at codon 2 is replaced by valine, an amino acid with highly similar properties. This amino acid position is well conserved in available vertebrate species. In addition, this alteration is predicted to be tolerated by in silico analysis. Since supporting evidence is limited at this time, the clinical significance of this alteration remains unclear.